The following is an entry in ClinVar:

NM_001035.3(RYR2):c.6269G>T (p.Arg2090Leu)

Gene: RYR2 (ryanodine receptor 2; plus strand). Cytogenetic location: 1q43.
Variant type: single nucleotide variant.
Coding change: c.6269G>T on transcript NM_001035.3 (MANE Select); coding-DNA position 6269, G replaced by T.
Protein change: p.Arg2090Leu; replaces arginine 2090 with leucine.
Molecular consequence: missense variant.
Genome position (GRCh38, 1-based): chr1:237,627,909, G>T. VCF-style: chr1-237627909-G-T. GRCh37 (hg19) VCF-style: chr1-237791209-G-T.
Other names: short protein forms R2090L.
Identifiers: ClinVar variation 2587840 (VCV002587840.2), dbSNP rs1379845021, ClinGen allele CA345410904.
Genomic context (GRCh38, chr1:237,627,909, plus strand): 5'-CTCAGGAGTCTGTCATTGAAGACCCCGAGCTGGTGAGGGCCATGTTTGTGTTGCTCCATC[G>T]GCAGTATGACGGCATTGGGGGTCTTGTTCGGGCCCTGCCAAAGACCTACACGATAAATGG-3'
Protein context (NP_001026.2, residues 2080-2100): LVRAMFVLLH[Arg2090Leu]QYDGIGGLVR

ClinVar aggregate classification (germline): Uncertain significance (1 of 4 stars; one submission).

Conditions:
Cardiovascular phenotype. Identifiers: MedGen CN230736.

Submission:

Ambry Genetics
Classification: Uncertain significance for Cardiovascular phenotype. Last evaluated: 2023-09-14. Review status: criteria provided, single submitter. Criteria: Ambry Variant Classification Scheme 2023. Collection method: clinical testing. Allele origin: germline.
Comment: The p.R2090L variant (also known as c.6269G>T), located in coding exon 41 of the RYR2 gene, results from a G to T substitution at nucleotide position 6269. The arginine at codon 2090 is replaced by leucine, an amino acid with dissimilar properties. This amino acid position is highly conserved in available vertebrate species. In addition, this alteration is predicted to be deleterious by in silico analysis. Since supporting evidence is limited at this time, the clinical significance of this alteration remains unclear.